The following is an entry in ClinVar:

ClinVar aggregate classification (germline): Likely benign (0 of 4 stars; one submission).

Conditions:
PLXNA1-related disorder. Also called: PLXNA1-related condition.

gnomAD v4.1: 2 of 1,613,360 alleles (0.00012%); highest among the groups gnomAD compares: Non-Finnish European, 0.00017%; no homozygotes.

Submission:

PreventionGenetics, part of Exact Sciences
Classification: Likely benign for PLXNA1-related condition. Last evaluated: 2024-04-08. Review status: no assertion criteria provided. Collection method: clinical testing. Allele origin: germline.
Comment: This variant is classified as likely benign based on ACMG/AMP sequence variant interpretation guidelines (Richards et al. 2015 PMID: 25741868, with internal and published modifications).

NM_032242.4(PLXNA1):c.3217C>T (p.Leu1073=)

Gene: PLXNA1 (plexin A1; plus strand). Cytogenetic location: 3q21.3.
Variant type: single nucleotide variant.
Coding change: c.3217C>T on transcript NM_032242.4 (MANE Select); coding-DNA position 3217, C replaced by T.
Protein change: p.Leu1073=; no amino-acid change (leucine 1073 retained).
Molecular consequence: synonymous variant.
Genome position (GRCh38, 1-based): chr3:127,016,978, C>T. VCF-style: chr3-127016978-C-T. GRCh37 (hg19) VCF-style: chr3-126735821-C-T.
Identifiers: ClinVar variation 3345852 (VCV003345852.1).
Genomic context (GRCh38, chr3:127,016,978, plus strand): 5'-ACCCCCCCACCCCTGTCCTGTTCCAGCGGTGGGACCCTCCTGACGGTCACAGGCACCAAC[C>T]TGGCCACTGTCCGTGAACCCCGAATCCGGGCCAAGTATGGAGGCATTGAGAGGGAGAACG-3'
Protein context (NP_115618.3, residues 1063-1083): GTLLTVTGTN[Leu1073=]ATVREPRIRA